The following is an entry in ClinVar:

NM_003000.3(SDHB):c.746G>C (p.Cys249Ser)

Gene: SDHB (succinate dehydrogenase complex iron sulfur subunit B; minus strand). Cytogenetic location: 1p36.13.
Variant type: single nucleotide variant.
Coding change: c.746G>C on transcript NM_003000.3 (MANE Select); coding-DNA position 746, G replaced by C.
Protein change: p.Cys249Ser; replaces cysteine 249 with serine.
Molecular consequence: missense variant.
Genome position (GRCh38, 1-based): chr1:17,022,627, C>G on the plus strand (G>C on the coding strand, the complement: SDHB is on the minus strand). VCF-style: chr1-17022627-C-G. GRCh37 (hg19) VCF-style: chr1-17349122-C-G.
Other names: short protein forms C249S.
Identifiers: ClinVar variation 838700 (VCV000838700.16), dbSNP rs1064794269, ClinGen allele CA338270045.

ClinVar aggregate classification (germline): Uncertain significance (1 of 4 stars; one submission).

Conditions:
Pheochromocytoma/paraganglioma syndrome 4. Also called: CAROTID BODY TUMORS AND MULTIPLE EXTRAADRENAL PHEOCHROMOCYTOMAS; SDHB-Related Hereditary Paraganglioma-Pheochromocytoma Syndrome (Paragangliomas 4); SDHB-Related Hereditary Paraganglioma-Pheochromocytoma Syndrome; PARAGANGLIOMA, FAMILIAL MALIGNANT; PARAGANGLIOMAS, HEREDITARY EXTRAADRENAL; PHEOCHROMOCYTOMA, FAMILIAL EXTRAADRENAL. Identifiers: Orphanet 29072, MedGen C1861848, MONDO:0007273, OMIM 115310.
Gastrointestinal stromal tumor. Also called: Gastrointestinal stromal tumor, somatic; Gastrointestinal stroma tumor. Identifiers: Orphanet 44890, MedGen C0238198, MeSH D046152, MONDO:0011719, OMIM 606764, HP:0100723.
Pheochromocytoma. Also called: MAX-Related Hereditary Paraganglioma-Pheochromocytoma Syndrome. Identifiers: Orphanet 29072, MedGen C0031511, MONDO:0008233, OMIM 171300, HP:0002666.

Submission:

Labcorp Genetics (formerly Invitae), Labcorp
Classification: Uncertain significance for Gastrointestinal stromal tumor; Pheochromocytoma/paraganglioma syndrome 4; Pheochromocytoma. Last evaluated: 2019-12-19. Review status: criteria provided, single submitter. Criteria: Invitae Variant Classification Sherloc (09022015). Collection method: clinical testing. Allele origin: germline.
Comment: In summary, the available evidence is currently insufficient to determine the role of this variant in disease. Therefore, it has been classified as a Variant of Uncertain Significance. Algorithms developed to predict the effect of missense changes on protein structure and function (SIFT, PolyPhen-2, Align-GVGD) all suggest that this variant is likely to be disruptive, but these predictions have not been confirmed by published functional studies and their clinical significance is uncertain. This variant has been observed in individual(s) with clinical features of paraganglioma-pheochromocytoma syndromes (Invitae). This variant is not present in population databases (ExAC no frequency). This sequence change replaces cysteine with serine at codon 249 of the SDHB protein (p.Cys249Ser). The cysteine residue is highly conserved and there is a moderate physicochemical difference between cysteine and serine.